The following is an entry in ClinVar:

NM_000018.4(ACADVL):c.776_777insA (p.Phe259fs)

Gene: ACADVL (acyl-CoA dehydrogenase very long chain; plus strand). Cytogenetic location: 17p13.1.
Variant type: Insertion.
Coding change: c.776_777insA on transcript NM_000018.4 (MANE Select); coding-DNA positions 776 to 777, A inserted.
Protein change: p.Phe259fs; shifts the reading frame from phenylalanine 259.
Molecular consequence: frameshift variant.
Genome position: GRCh38 VCF-style: chr17-7222200-T-TA. GRCh37 (hg19) VCF-style: chr17-7125519-T-TA.
Other names: c.710_711insA, p.Phe237fs (NM_001033859.3); c.845_846insA, p.Phe282fs (NM_001270447.2); c.548_549insA, p.Phe183fs (NM_001270448.2); short protein forms F183fs, F237fs, F259fs, F282fs.
Identifiers: ClinVar variation 2711063 (VCV002711063.3), dbSNP rs2508303394, ClinGen allele CA2697557228.

ClinVar aggregate classification (germline): Pathogenic (1 of 4 stars; one submission).

Conditions:
Very long chain acyl-CoA dehydrogenase deficiency (ACADVLD). Also called: VLCAD Deficiency; Very Long-Chain Acyl-Coenzyme A Dehydrogenase Deficiency. Identifiers: Orphanet 26793, MedGen C3887523, MONDO:0008723, OMIM 201475.

Submission:

Labcorp Genetics (formerly Invitae), Labcorp
Classification: Pathogenic for Very long chain acyl-CoA dehydrogenase deficiency. Last evaluated: 2024-01-24. Review status: criteria provided, single submitter. Criteria: Invitae Variant Classification Sherloc (09022015). Collection method: clinical testing. Allele origin: germline.
Comment: This sequence change creates a premature translational stop signal (p.Phe259Leufs*39) in the ACADVL gene. It is expected to result in an absent or disrupted protein product. Loss-of-function variants in ACADVL are known to be pathogenic (PMID: 9973285, 11590124). This variant is not present in population databases (gnomAD no frequency). This variant has not been reported in the literature in individuals affected with ACADVL-related conditions. For these reasons, this variant has been classified as Pathogenic.

Literature cited by the submitters: PubMed 9973285; PubMed 11590124.